The following is an entry in ClinVar:

ClinVar aggregate classification (germline): Conflicting classifications of pathogenicity. Review status: criteria provided, conflicting classifications (1 of 4 stars). 3 submissions from 3 submitters: Uncertain significance (1); Likely benign (2). Last evaluated 2025-08-06.

Conditions:
Charcot-Marie-Tooth disease axonal type 2O. Also called: CHARCOT-MARIE-TOOTH DISEASE, AXONAL, AUTOSOMAL DOMINANT, TYPE 2O; CHARCOT-MARIE-TOOTH NEUROPATHY, AXONAL, TYPE 2O; Charcot-Marie-Tooth disease, axonal, type 20; Charcot-Marie-Tooth Neuropathy Type 2O. Identifiers: Orphanet 284232, MedGen C3280220, MONDO:0013644, OMIM 614228.
Inborn genetic diseases. Identifiers: MedGen C0950123, MeSH D030342.

Allele frequency attached by ClinVar (database versions not stated): gnomAD exomes below 0.00001; ExAC 0.00001; gnomAD 0.00001; TOPMed 0.00003.
gnomAD v4.1: 5 of 1,614,092 alleles (0.00031%); highest among the groups gnomAD compares: Admixed American, 0.0033%; no homozygotes.

Submissions (3):

Labcorp Genetics (formerly Invitae), Labcorp
Classification: Likely benign for Charcot-Marie-Tooth disease axonal type 2O. Last evaluated: 2025-08-06. Review status: criteria provided, single submitter. Criteria: Invitae Variant Classification Sherloc (09022015). Collection method: clinical testing. Allele origin: germline.

GeneDx
Classification: Uncertain significance. Last evaluated: 2022-04-01. Review status: criteria provided, single submitter. Criteria: GeneDx Variant Classification Process June 2021. Collection method: clinical testing. Allele origin: germline. Affected: yes.
Comment: In silico analysis supports a deleterious effect on splicing; Has not been previously published as pathogenic or benign to our knowledge

Ambry Genetics
Classification: Likely benign for Inborn genetic diseases. Last evaluated: 2019-03-07. Review status: criteria provided, single submitter. Criteria: Ambry Variant Classification Scheme 2023. Collection method: clinical testing. Allele origin: germline.

NM_001376.5(DYNC1H1):c.7917C>T (p.Cys2639=)

Gene: DYNC1H1 (dynein cytoplasmic 1 heavy chain 1; plus strand). Cytogenetic location: 14q32.31.
Variant type: single nucleotide variant.
Coding change: c.7917C>T on transcript NM_001376.5 (MANE Select); coding-DNA position 7917, C replaced by T.
Protein change: p.Cys2639=; no amino-acid change (cysteine 2639 retained).
Molecular consequence: synonymous variant.
Genome position (GRCh38, 1-based): chr14:102,017,156, C>T. VCF-style: chr14-102017156-C-T. GRCh37 (hg19) VCF-style: chr14-102483493-C-T.
Identifiers: ClinVar variation 1365535 (VCV001365535.9), dbSNP rs778369655, ClinGen allele CA7352905.